The following is an entry in ClinVar:

NM_001377540.1(SLMAP):c.2312A>G (p.Tyr771Cys)

Gene: SLMAP (sarcolemma associated protein; plus strand). Cytogenetic location: 3p14.3.
Variant type: single nucleotide variant.
Coding change: c.2312A>G on transcript NM_001377540.1 (MANE Select); coding-DNA position 2312, A replaced by G.
Protein change: p.Tyr771Cys; replaces tyrosine 771 with cysteine.
Molecular consequence: missense variant. On other transcripts: non-coding transcript variant (1).
Genome position (GRCh38, 1-based): chr3:57,922,890, A>G. VCF-style: chr3-57922890-A-G. GRCh37 (hg19) VCF-style: chr3-57908617-A-G.
Other names: c.2210A>G (NM_007159.2); c.2261A>G, p.Tyr754Cys (NM_001304420.3, NM_001377541.1, NM_001377542.1); c.2147A>G, p.Tyr716Cys (NM_001304421.2, NM_001377557.1, NM_001377559.1); c.863A>G, p.Tyr288Cys (NM_001304422.3, NM_001311178.2); c.665A>G, p.Tyr222Cys (NM_001304423.3); c.2333A>G, p.Tyr778Cys (NM_001377538.1); c.2312A>G, p.Tyr771Cys (NM_001377539.1); c.2249A>G, p.Tyr750Cys (NM_001377545.1); and 9 more; short protein forms Y222C, Y730C, Y692C, Y713C, Y716C, Y733C, Y750C, Y754C.
Identifiers: ClinVar variation 2888577 (VCV002888577.4), dbSNP rs150383595, ClinGen allele CA75414049.

ClinVar aggregate classification (germline): Uncertain significance. Review status: criteria provided, multiple submitters, no conflicts (2 of 4 stars). 2 submissions from 2 submitters: Uncertain significance (2). Last evaluated 2023-10-15.

Conditions:
Brugada syndrome. Also called: Sudden unexpected nocturnal death syndrome; Sudden unexplained nocturnal death syndrome; Sudden Unexplained Death Syndrome; Sudden Unexplained Nocturnal Death Syndrome (SUNDS). Identifiers: Orphanet 130, MedGen C1142166, MONDO:0015263.

Allele frequency attached by ClinVar (database versions not stated): gnomAD exomes below 0.00001; TOPMed 0.00003; gnomAD 0.00005; ESP Exome Variant Server 0.00008.
gnomAD v4.1: 9 of 1,610,568 alleles (0.00056%); highest among the groups gnomAD compares: African/African-American, 0.0094%; no homozygotes.

Submissions (2):

Ambry Genetics
Classification: Uncertain significance. Last evaluated: 2023-10-15. Review status: criteria provided, single submitter. Criteria: Ambry Variant Classification Scheme 2023. Collection method: clinical testing. Allele origin: germline.
Comment: The p.Y737C variant (also known as c.2210A>G), located in coding exon 20 of the SLMAP gene, results from an A to G substitution at nucleotide position 2210. The tyrosine at codon 737 is replaced by cysteine, an amino acid with highly dissimilar properties. This amino acid position is conserved. In addition, this alteration is predicted to be tolerated by in silico analysis. Since supporting evidence is limited at this time, the clinical significance of this alteration remains unclear.

Labcorp Genetics (formerly Invitae), Labcorp
Classification: Uncertain significance for Brugada syndrome. Last evaluated: 2023-05-01. Review status: criteria provided, single submitter. Criteria: Invitae Variant Classification Sherloc (09022015). Collection method: clinical testing. Allele origin: germline.
Comment: This sequence change replaces tyrosine, which is neutral and polar, with cysteine, which is neutral and slightly polar, at codon 737 of the SLMAP protein (p.Tyr737Cys). This variant is present in population databases (rs150383595, gnomAD 0.008%). This variant has not been reported in the literature in individuals affected with SLMAP-related conditions. An algorithm developed to predict the effect of missense changes on protein structure and function (PolyPhen-2) suggests that this variant is likely to be disruptive. In summary, the available evidence is currently insufficient to determine the role of this variant in disease. Therefore, it has been classified as a Variant of Uncertain Significance.